The following is an entry in ClinVar:

ClinVar aggregate classification (germline): Uncertain significance (1 of 4 stars; one submission).

Submission:

CeGaT Center for Human Genetics Tuebingen
Classification: Uncertain significance. Last evaluated: 2025-10-01. Review status: criteria provided, single submitter. Criteria: CeGaT Center For Human Genetics Tuebingen Variant Classification Criteria Version 2. Collection method: clinical testing. Allele origin: germline. Affected: yes. Observed: 1 variant allele.
Comment: ATP7A: PM2

NM_000052.7(ATP7A):c.205A>G (p.Met69Val)

Gene: ATP7A (ATPase copper transporting alpha; plus strand). Cytogenetic location: Xq21.1.
Variant type: single nucleotide variant.
Coding change: c.205A>G on transcript NM_000052.7 (MANE Select); coding-DNA position 205, A replaced by G.
Protein change: p.Met69Val; replaces methionine 69 with valine.
Molecular consequence: missense variant.
Genome position (GRCh38, 1-based): chrX:77,988,326, A>G. VCF-style: chrX-77988326-A-G. GRCh37 (hg19) VCF-style: chrX-77243822-A-G.
Other names: c.205A>G, p.Met69Val (NM_001282224.2); short protein forms M69V.
Identifiers: ClinVar variation 4534775 (VCV004534775.6).